The following is an entry in ClinVar:

NM_001843.4(CNTN1):c.2694T>C (p.Ala898=)

Gene: CNTN1 (contactin 1; plus strand). Cytogenetic location: 12q12.
Variant type: single nucleotide variant.
Coding change: c.2694T>C on transcript NM_001843.4 (MANE Select); coding-DNA position 2694, T replaced by C.
Protein change: p.Ala898=; no amino-acid change (alanine 898 retained).
Molecular consequence: synonymous variant.
Genome position (GRCh38, 1-based): chr12:41,025,320, T>C. VCF-style: chr12-41025320-T-C. GRCh37 (hg19) VCF-style: chr12-41419122-T-C.
Other names: c.2661T>C, p.Ala887= (NM_175038.2).
Identifiers: ClinVar variation 512711 (VCV000512711.6), dbSNP rs1555200914, ClinGen allele CA479351273.
Genomic context (GRCh38, chr12:41,025,320, plus strand): 5'-TATAGAAGTCGGGGCCTGCAATAGTGCAGGGTGTGGACCTCCAAGTGACATGATTGAGGC[T>C]TTCACCAAGAAAGCACGTGAGTCTCACGTTTTGTTTTTAGACTTGTCAAAAACTACCACT-3'
Protein context (NP_001834.2, residues 888-908): GCGPPSDMIE[Ala898=]FTKKAPPSQP

ClinVar aggregate classification (germline): Likely benign. Review status: criteria provided, multiple submitters, no conflicts (2 of 4 stars). 2 submissions from 2 submitters: Likely benign (2). Last evaluated 2022-08-05.

Conditions:
Compton-North congenital myopathy (CMYO12). Identifiers: Orphanet 210163, MedGen C2675527, MONDO:0012929, OMIM 612540.

Allele frequency attached by ClinVar (database versions not stated): TOPMed 0.00001.

Submissions (2):

Labcorp Genetics (formerly Invitae), Labcorp
Classification: Likely benign for Compton-North congenital myopathy. Last evaluated: 2022-08-05. Review status: criteria provided, single submitter. Criteria: Invitae Variant Classification Sherloc (09022015). Collection method: clinical testing. Allele origin: germline.

GeneDx
Classification: Likely benign. Last evaluated: 2017-10-17. Review status: criteria provided, single submitter. Criteria: GeneDx Variant Classification (06012015). Collection method: clinical testing. Allele origin: germline. Affected: yes.
Comment: This variant is considered likely benign or benign based on one or more of the following criteria: it is a conservative change, it occurs at a poorly conserved position in the protein, it is predicted to be benign by multiple in silico algorithms, and/or has population frequency not consistent with disease.